The following is an entry in ClinVar:

ClinVar aggregate classification (germline): Uncertain significance (1 of 4 stars; one submission).

Conditions:
Pulmonary hypertension, primary, 4. Identifiers: Orphanet 422, MedGen C3809198, MONDO:0014136, OMIM 615344.

Submission:

Labcorp Genetics (formerly Invitae), Labcorp
Classification: Uncertain significance for Pulmonary hypertension, primary, 4. Last evaluated: 2025-01-19. Review status: criteria provided, single submitter. Criteria: Invitae Variant Classification Sherloc (09022015). Collection method: clinical testing. Allele origin: germline.
Comment: This sequence change replaces glycine, which is neutral and non-polar, with valine, which is neutral and non-polar, at codon 351 of the KCNK3 protein (p.Gly351Val). This variant is not present in population databases (gnomAD no frequency). This variant has not been reported in the literature in individuals affected with KCNK3-related conditions. An algorithm developed to predict the effect of missense changes on protein structure and function (PolyPhen-2) suggests that this variant is likely to be tolerated. In summary, the available evidence is currently insufficient to determine the role of this variant in disease. Therefore, it has been classified as a Variant of Uncertain Significance.

NM_002246.3(KCNK3):c.1052G>T (p.Gly351Val)

Gene: KCNK3 (potassium two pore domain channel subfamily K member 3; plus strand). Cytogenetic location: 2p23.3.
Variant type: single nucleotide variant.
Coding change: c.1052G>T on transcript NM_002246.3 (MANE Select); coding-DNA position 1052, G replaced by T.
Protein change: p.Gly351Val; replaces glycine 351 with valine.
Molecular consequence: missense variant.
Genome position (GRCh38, 1-based): chr2:26,728,435, G>T. VCF-style: chr2-26728435-G-T. GRCh37 (hg19) VCF-style: chr2-26951303-G-T.
Other names: short protein forms G351V.
Identifiers: ClinVar variation 3710981 (VCV003710981.2).